The following is an entry in ClinVar:

NM_024496.4(IRF2BPL):c.911del (p.Gly304fs)

Gene: IRF2BPL (interferon regulatory factor 2 binding protein like; minus strand). Cytogenetic location: 14q24.3.
Variant type: Deletion.
Coding change: c.911del on transcript NM_024496.4 (MANE Select); coding-DNA position 911, one base deleted (G; older notation c.911delG).
Protein change: p.Gly304fs; shifts the reading frame from glycine 304.
Molecular consequence: frameshift variant.
Genome position (GRCh38, 1-based): chr14:77,026,882, C deleted on the plus strand (G on the coding strand, the reverse complement: IRF2BPL is on the minus strand); the first of 3 consecutive C bases (chr14:77,026,882-77,026,884); deleting any one gives the same sequence. VCF-style (leftmost placement, unchanged base first): chr14-77026881-AC-A. GRCh37 (hg19) VCF-style: chr14-77493224-AC-A.
Other names: short protein forms G304fs.
Identifiers: ClinVar variation 5016483 (VCV005016483.1).

ClinVar aggregate classification (germline): Likely pathogenic (1 of 4 stars; one submission).

Conditions:
Neurodevelopmental disorder with regression, abnormal movements, loss of speech, and seizures. Identifiers: Orphanet 597623, MedGen C4748127, MONDO:0060759, OMIM 618088.

Submission:

Molecular Genetics Laboratory, Motol Hospital
Classification: Likely pathogenic for Neurodevelopmental disorder with regression, abnormal movements, loss of speech, and seizures. Last evaluated: 2026-09-02. Review status: criteria provided, single submitter. Criteria: ACMG Guidelines, 2015. Collection method: clinical testing. Allele origin: germline. Inheritance: Sporadic. Affected: yes. Observed: 1 variant allele, 1 heterozygote.
Comment: Variant is not present in control non-Finnish European population (gnomAD v4.1.1), not reported in dbSNP or Clinvar (PM2). A 1-bp deletion leads to a null variant where LoF is a known mechanism of disease (PVS1). Rare heterozygous variants in the IRF2BPL gene are associated with autosomal dominant neurodevelopmental disorder with regression, abnormal movements, loss of speech, and seizures (NEDAMSS). To conclude, variant is classified as likely pathogenic.

Literature cited by the submitters: PubMed 30166628; PubMed 30057031; NCBI Bookshelf NBK609461.